The following is an entry in ClinVar:

NM_006397.3(RNASEH2A):c.871C>T (p.Arg291Cys)

Gene: RNASEH2A (ribonuclease H2 subunit A; plus strand). Cytogenetic location: 19p13.13.
Variant type: single nucleotide variant.
Coding change: c.871C>T on transcript NM_006397.3 (MANE Select); coding-DNA position 871, C replaced by T.
Protein change: p.Arg291Cys; replaces arginine 291 with cysteine.
Molecular consequence: missense variant.
Genome position (GRCh38, 1-based): chr19:12,813,437, C>T. VCF-style: chr19-12813437-C-T. GRCh37 (hg19) VCF-style: chr19-12924251-C-T.
Other names: short protein forms R291C.
Identifiers: ClinVar variation 957781 (VCV000957781.7), dbSNP rs771858022, ClinGen allele CA9232066.

ClinVar aggregate classification (germline): Uncertain significance. Review status: criteria provided, multiple submitters, no conflicts (2 of 4 stars). 2 submissions from 2 submitters: Uncertain significance (2). Last evaluated 2021-08-31.

Conditions:
Aicardi-Goutieres syndrome 4. Identifiers: Orphanet 51, MedGen C1835912, MONDO:0012472, OMIM 610333.
Inborn genetic diseases. Identifiers: MedGen C0950123, MeSH D030342.

Allele frequency attached by ClinVar (database versions not stated): ExAC 0.00001; gnomAD exomes 0.00001 and 0.00002; gnomAD 0.00002; TOPMed 0.00002.

Submissions (2):

Labcorp Genetics (formerly Invitae), Labcorp
Classification: Uncertain significance for Aicardi-Goutieres syndrome 4. Last evaluated: 2021-08-31. Review status: criteria provided, single submitter. Criteria: Invitae Variant Classification Sherloc (09022015). Collection method: clinical testing. Allele origin: germline.
Comment: This sequence change replaces arginine with cysteine at codon 291 of the RNASEH2A protein (p.Arg291Cys). The arginine residue is highly conserved and there is a large physicochemical difference between arginine and cysteine. This variant is present in population databases (rs771858022, ExAC 0.006%). This variant has not been reported in the literature in individuals affected with RNASEH2A-related conditions. Algorithms developed to predict the effect of missense changes on protein structure and function are either unavailable or do not agree on the potential impact of this missense change (SIFT: "Deleterious"; PolyPhen-2: "Probably Damaging"; Align-GVGD: "Class C0"). In summary, the available evidence is currently insufficient to determine the role of this variant in disease. Therefore, it has been classified as a Variant of Uncertain Significance.

Ambry Genetics
Classification: Uncertain significance for Inborn genetic diseases. Last evaluated: 2021-08-02. Review status: criteria provided, single submitter. Criteria: Ambry Variant Classification Scheme 2023. Collection method: clinical testing. Allele origin: germline.